The following is an entry in ClinVar:

NM_002693.3(POLG):c.3554T>A (p.Ile1185Asn)

Gene: POLG (DNA polymerase gamma, catalytic subunit; minus strand). Cytogenetic location: 15q26.1.
Variant type: single nucleotide variant.
Coding change: c.3554T>A on transcript NM_002693.3 (MANE Select); coding-DNA position 3554, T replaced by A.
Protein change: p.Ile1185Asn; replaces isoleucine 1185 with asparagine.
Molecular consequence: missense variant.
Genome position (GRCh38, 1-based): chr15:89,317,465, A>T on the plus strand (T>A on the coding strand, the complement: POLG is on the minus strand). VCF-style: chr15-89317465-A-T. GRCh37 (hg19) VCF-style: chr15-89860696-A-T.
Other names: c.3554T>A, p.Ile1185Asn (NM_001126131.2); short protein forms I1185N.
Identifiers: ClinVar variation 2736246 (VCV002736246.3), dbSNP rs374183622, ClinGen allele CA393747616.

ClinVar aggregate classification (germline): Uncertain significance (1 of 4 stars; one submission).

Conditions:
Progressive sclerosing poliodystrophy (MTDPS4A). Also called: ALPERS PROGRESSIVE INFANTILE POLIODYSTROPHY; NEURONAL DEGENERATION OF CHILDHOOD WITH LIVER DISEASE, PROGRESSIVE; Alpers Syndrome; ALPERS DIFFUSE DEGENERATION OF CEREBRAL GRAY MATTER WITH HEPATIC CIRRHOSIS; Alpers-Huttenlocher Syndrome; Mitochondrial DNA depletion syndrome 4A (Alpers type). Identifiers: Orphanet 726, MedGen C0205710, MONDO:0008758, OMIM 203700.

Submission:

Labcorp Genetics (formerly Invitae), Labcorp
Classification: Uncertain significance for Progressive sclerosing poliodystrophy. Last evaluated: 2023-06-06. Review status: criteria provided, single submitter. Criteria: Invitae Variant Classification Sherloc (09022015). Collection method: clinical testing. Allele origin: germline.
Comment: In summary, the available evidence is currently insufficient to determine the role of this variant in disease. Therefore, it has been classified as a Variant of Uncertain Significance. Advanced modeling of protein sequence and biophysical properties (such as structural, functional, and spatial information, amino acid conservation, physicochemical variation, residue mobility, and thermodynamic stability) performed at Invitae indicates that this missense variant is expected to disrupt POLG protein function. This missense change has been observed in individual(s) with clinical features of autosomal recessive POLG-related conditions (PMID: 26607151). This variant is not present in population databases (gnomAD no frequency). This sequence change replaces isoleucine, which is neutral and non-polar, with asparagine, which is neutral and polar, at codon 1185 of the POLG protein (p.Ile1185Asn).

Literature cited by the submitters: PubMed 26607151.